The following is an entry in ClinVar:

NM_130837.3(OPA1):c.2013-1G>A

Gene: OPA1 (OPA1 mitochondrial dynamin like GTPase; plus strand). Cytogenetic location: 3q29.
Variant type: single nucleotide variant.
Coding change: c.2013-1G>A on transcript NM_130837.3 (MANE Select); the canonical splice acceptor site of the intron before coding-DNA position 2013, G replaced by A.
Molecular consequence: splice acceptor variant.
Genome position (GRCh38, 1-based): chr3:193,654,861, G>A. VCF-style: chr3-193654861-G-A. GRCh37 (hg19) VCF-style: chr3-193372650-G-A.
Other names: c.1476-1G>A (NM_001354664.2); c.1479-1G>A (NM_001354663.2); c.1902-1G>A (NM_130834.3); c.1959-1G>A (NM_130836.3); c.1848-1G>A (NM_015560.3); c.1905-1G>A (NM_130835.3); c.1794-1G>A (NM_130832.3); c.1851-1G>A (NM_130833.3); and 1 more.
Identifiers: ClinVar variation 1067049 (VCV001067049.7), dbSNP rs2109138708, ClinGen allele CA355790959.
Genomic context (GRCh38, chr3:193,654,861, plus strand): 5'-AGCTGTTTTTAAAAACAATATTATATTTAGATTTGGTGCTTTTGATACTTTTTTATTTCA[G>A]GGAGGAAATCCTTCAACAATCTTTGTGGGAAAGAGTATCAACTCATGTGATTGAAAACAT-3'

ClinVar aggregate classification (germline): Pathogenic/Likely pathogenic. Review status: criteria provided, multiple submitters, no conflicts (2 of 4 stars). 2 submissions from 2 submitters: Pathogenic (1); Likely pathogenic (1). Last evaluated 2026-08-18.

Submissions (2):

GeneDx
Classification: Pathogenic. Last evaluated: 2026-08-18. Review status: criteria provided, single submitter. Criteria: GeneDx Variant Classification Process June 2021. Collection method: clinical testing. Allele origin: germline.
Comment: Canonical splice site variant predicted to result in a null allele in a gene for which loss of function is a known mechanism of disease; Not observed at significant frequency in large population cohorts (gnomAD); Observed in a patient with a suspected hereditary optic neuropathy; detailed clinical information and familial segregation was not reported (PMID: 19319978); This variant is associated with the following publications: (PMID: 25525159, 19319978)

Labcorp Genetics (formerly Invitae), Labcorp
Classification: Likely pathogenic. Last evaluated: 2020-10-19. Review status: criteria provided, single submitter. Criteria: Invitae Variant Classification Sherloc (09022015). Collection method: clinical testing. Allele origin: germline.
Comment: This variant is not present in population databases (ExAC no frequency). This variant has been observed in individual(s) with optic neuropathy (PMID: 19319978). Algorithms developed to predict the effect of sequence changes on RNA splicing suggest that this variant may disrupt the consensus splice site, but this prediction has not been confirmed by published transcriptional studies. In summary, the currently available evidence indicates that the variant is pathogenic, but additional data are needed to prove that conclusively. Therefore, this variant has been classified as Likely Pathogenic. This sequence change affects an acceptor splice site in intron 19 of the OPA1 gene. It is expected to disrupt RNA splicing. Variants that disrupt the donor or acceptor splice site typically lead to a loss of protein function (PMID: 16199547), and loss-of-function variants in OPA1 are known to be pathogenic (PMID: 11440988, 20157015, 20952381, 25012220).

Literature cited by the submitters: PubMed 19319978 (cited by Labcorp Genetics (formerly Invitae), Labcorp); PubMed 16199547 (cited by Labcorp Genetics (formerly Invitae), Labcorp); PubMed 11440988 (cited by Labcorp Genetics (formerly Invitae), Labcorp); PubMed 20157015 (cited by Labcorp Genetics (formerly Invitae), Labcorp); PubMed 20952381 (cited by Labcorp Genetics (formerly Invitae), Labcorp); PubMed 25012220 (cited by Labcorp Genetics (formerly Invitae), Labcorp).